The following is an entry in ClinVar:

ClinVar aggregate classification (germline): Uncertain significance (1 of 4 stars; one submission).

Allele frequency attached by ClinVar (database versions not stated): gnomAD exomes below 0.00001.

Submission:

Ambry Genetics
Classification: Uncertain significance. Last evaluated: 2023-02-28. Review status: criteria provided, single submitter. Criteria: Ambry Variant Classification Scheme 2023. Collection method: clinical testing. Allele origin: germline.
Comment: The p.E1654G variant (also known as c.4961A>G), located in coding exon 16 of the POLQ gene, results from an A to G substitution at nucleotide position 4961. The glutamic acid at codon 1654 is replaced by glycine, an amino acid with similar properties. This amino acid position is conserved. In addition, this alteration is predicted to be tolerated by in silico analysis. Since supporting evidence is limited at this time, the clinical significance of this alteration remains unclear.

NM_199420.4(POLQ):c.4961A>G (p.Glu1654Gly)

Gene: POLQ (DNA polymerase theta; minus strand). Cytogenetic location: 3q13.33.
Variant type: single nucleotide variant.
Coding change: c.4961A>G on transcript NM_199420.4 (MANE Select); coding-DNA position 4961, A replaced by G.
Protein change: p.Glu1654Gly; replaces glutamic acid 1654 with glycine.
Molecular consequence: missense variant.
Genome position (GRCh38, 1-based): chr3:121,487,970, T>C on the plus strand (A>G on the coding strand, the complement: POLQ is on the minus strand). VCF-style: chr3-121487970-T-C. GRCh37 (hg19) VCF-style: chr3-121206817-T-C.
Other names: short protein forms E1654G.
Identifiers: ClinVar variation 2497151 (VCV002497151.2), dbSNP rs2546785316, ClinGen allele CA354092939.